The following is an entry in ClinVar:

NM_017755.6(NSUN2):c.1484G>A (p.Gly495Asp)

Gene: NSUN2 (NOP2/Sun RNA methyltransferase 2; minus strand). Cytogenetic location: 5p15.31.
Variant type: single nucleotide variant.
Coding change: c.1484G>A on transcript NM_017755.6 (MANE Select); coding-DNA position 1484, G replaced by A.
Protein change: p.Gly495Asp; replaces glycine 495 with aspartic acid.
Molecular consequence: missense variant. On other transcripts: non-coding transcript variant (1).
Genome position (GRCh38, 1-based): chr5:6,607,224, C>T on the plus strand (G>A on the coding strand, the complement: NSUN2 is on the minus strand). VCF-style: chr5-6607224-C-T. GRCh37 (hg19) VCF-style: chr5-6607337-C-T.
Other names: c.1379G>A, p.Gly460Asp (NM_001193455.2); short protein forms G495D, G460D.
Identifiers: ClinVar variation 1773639 (VCV001773639.2), dbSNP rs2477414816, ClinGen allele CA359117969.

ClinVar aggregate classification (germline): Uncertain significance (1 of 4 stars; one submission).

Conditions:
Inborn genetic diseases. Identifiers: MedGen C0950123, MeSH D030342.

Submission:

Ambry Genetics
Classification: Uncertain significance for Inborn genetic diseases. Last evaluated: 2017-12-18. Review status: criteria provided, single submitter. Criteria: Ambry Variant Classification Scheme 2023. Collection method: clinical testing. Allele origin: germline.
Comment: The p.G495D variant (also known as c.1484G>A), located in coding exon 13 of the NSUN2 gene, results from a G to A substitution at nucleotide position 1484. The glycine at codon 495 is replaced by aspartic acid, an amino acid with similar properties. This amino acid position is not conserved on species alignment. In addition, this alteration is predicted to be tolerated by in silico analysis. Since supporting evidence is limited at this time, the clinical significance of this alteration remains unclear.